The following is an entry in ClinVar:

ClinVar aggregate classification (germline): Conflicting classifications of pathogenicity. Review status: criteria provided, conflicting classifications (1 of 4 stars). 2 submissions from 2 submitters: Uncertain significance (1); Likely benign (1). Last evaluated 2026-03-26.

Conditions:
Developmental and epileptic encephalopathy 94 (DEE94). Also called: CHD2-Related Neurodevelopmental Disorders; Epileptic encephalopathy, childhood-onset. Identifiers: Orphanet 1942, Orphanet 2382, MedGen C3809278, MONDO:0014150, OMIM 615369.

gnomAD v4.1: 1 of 1,586,686 alleles (0.000063%); highest among the groups gnomAD compares: Non-Finnish European, 0.000085%; no homozygotes.

Submissions (2):

Centre for Medical Genetics,  Mumbai
Classification: Likely benign for Developmental and epileptic encephalopathy 94. Last evaluated: 2026-03-26. Review status: criteria provided, single submitter. Criteria: ACMG Guidelines, 2015. Collection method: provider interpretation. Allele origin: germline. Inheritance: Autosomal dominant inheritance. Affected: no. Observed: 1 variant allele, 1 heterozygote.
Comment: The variant satisfies PM2 criteria; Extremely low frequency in gnomAD population databases. The variant satisfies PP2 criteria; Missense variant in a gene with low rate of benign missense mutations and for which missense mutation is a common mechanism of a disease. The variant satisfies BP4 criteria; For a missense or a splice region variant, computational prediction tools unanimously support a benign effect on the gene. However, the variant satisfies BS2 criteria.

Labcorp Genetics (formerly Invitae), Labcorp
Classification: Uncertain significance for Developmental and epileptic encephalopathy 94. Last evaluated: 2025-09-11. Review status: criteria provided, single submitter. Criteria: Invitae Variant Classification Sherloc (09022015). Collection method: clinical testing. Allele origin: germline.
Comment: This sequence change replaces lysine, which is basic and polar, with glutamic acid, which is acidic and polar, at codon 1389 of the CHD2 protein (p.Lys1389Glu). This variant is present in population databases (no rsID available, gnomAD 0.008%). This variant has not been reported in the literature in individuals affected with CHD2-related conditions. ClinVar contains an entry for this variant (Variation ID: 2077409). Invitae Evidence Modeling of protein sequence and biophysical properties (such as structural, functional, and spatial information, amino acid conservation, physicochemical variation, residue mobility, and thermodynamic stability) indicates that this missense variant is not expected to disrupt CHD2 protein function with a negative predictive value of 95%. In summary, the available evidence is currently insufficient to determine the role of this variant in disease. Therefore, it has been classified as a Variant of Uncertain Significance.

Literature cited by the submitters: PubMed 23020937 (cited by Centre for Medical Genetics,  Mumbai).

NM_001271.4(CHD2):c.4165A>G (p.Lys1389Glu)

Gene: CHD2 (chromodomain helicase DNA binding protein 2; plus strand). Cytogenetic location: 15q26.1.
Variant type: single nucleotide variant.
Coding change: c.4165A>G on transcript NM_001271.4 (MANE Select); coding-DNA position 4165, A replaced by G.
Protein change: p.Lys1389Glu; replaces lysine 1389 with glutamic acid.
Molecular consequence: missense variant.
Genome position (GRCh38, 1-based): chr15:93,002,204, A>G. VCF-style: chr15-93002204-A-G. GRCh37 (hg19) VCF-style: chr15-93545434-A-G.
Other names: short protein forms K1389E.
Identifiers: ClinVar variation 2077409 (VCV002077409.5), dbSNP rs762950368, ClinGen allele CA393900797.